The following is an entry in ClinVar:

ClinVar aggregate classification (germline): Pathogenic/Likely pathogenic. Review status: criteria provided, multiple submitters, no conflicts (2 of 4 stars). 5 submissions from 5 submitters: Pathogenic (1); Likely pathogenic (4). Last evaluated 2026-04-01.

Conditions:
Niemann-Pick disease, type C (NPC). Identifiers: Orphanet 646, MedGen C0220756, MONDO:0018982.
NPC1-related disorder. Also called: NPC1-related condition.
Niemann-Pick disease, type C1. Also called: NEUROVISCERAL STORAGE DISEASE WITH VERTICAL SUPRANUCLEAR OPHTHALMOPLEGIA; NIEMANN-PICK DISEASE WITH CHOLESTEROL ESTERIFICATION BLOCK; NIEMANN-PICK DISEASE WITHOUT SPHINGOMYELINASE DEFICIENCY; NIEMANN-PICK DISEASE, CHRONIC NEURONOPATHIC FORM; NIEMANN-PICK DISEASE, VARIANT TYPE C1. Identifiers: Orphanet 646, MedGen C3179455, MONDO:0009757, OMIM 257220.

Allele frequency attached by ClinVar (database versions not stated): ExAC 0.00001; gnomAD 0.00001; gnomAD exomes 0.00001; TOPMed 0.00001.
gnomAD v4.1: 11 of 1,614,134 alleles (0.00068%); highest among the groups gnomAD compares: Admixed American, 0.0017%; no homozygotes.

Submissions (5):

PreventionGenetics, part of Exact Sciences
Classification: Likely pathogenic for NPC1-related condition. Last evaluated: 2026-04-01. Review status: criteria provided, single submitter. Criteria: ACMG Guidelines, 2015. Collection method: clinical testing. Allele origin: germline.
Comment: The NPC1 c.3637T>G variant is predicted to result in the amino acid substitution p.Leu1213Val. This variant has been reported along with a second pathogenic variant in individuals with Niemann-Pick disease, type C (Greer et al. 1999. PubMed ID: 10521290; Spiegel et al. 2009. PubMed ID: 19206179). Functional studies using human fibroblasts suggest this variant decreases efflux of cholesterol and phospholipids (Choi et al. 2003. PubMed ID: 12813037). This variant is reported in 0.0033% of alleles in individuals of South Asian descent in gnomAD. At this time, we classify this variant as likely pathogenic.

Natera, Inc.
Classification: Likely pathogenic for Niemann-Pick disease type C1. Last evaluated: 2024-10-23. Review status: criteria provided, single submitter. Criteria: Natera Variant Classification Schema (03/2026). Collection method: clinical testing. Allele origin: germline.
Comment: The c.3637T>G variant in NPC1 is a missense variant predicted to cause substitution of leucine to valine at amino acid 1213. This variant is rare in the general population with a frequency below the threshold expected for the associated phenotype(s). This variant has been observed in one or more individuals affected with the associated recessive disease, as either homozygous or compound heterozygous with a second variant (PMID: 10521290, 19206179). This variant has been identified in one or more affected individuals with a phenotype highly consistent with the associated gene (PMID: 19206179). A different variant at the same position has been determined to be Pathogenic or Likely Pathogenic. Computational prediction algorithms indicate this variant is likely to affect gene or protein function. Given the available evidence, this variant is classified as Likely Pathogenic.

Labcorp Genetics (formerly Invitae), Labcorp
Classification: Pathogenic for Niemann-Pick disease, type C1. Last evaluated: 2023-06-23. Review status: criteria provided, single submitter. Criteria: Invitae Variant Classification Sherloc (09022015). Collection method: clinical testing. Allele origin: germline.
Comment: This variant is present in population databases (rs766178353, gnomAD 0.003%). For these reasons, this variant has been classified as Pathogenic. Advanced modeling of protein sequence and biophysical properties (such as structural, functional, and spatial information, amino acid conservation, physicochemical variation, residue mobility, and thermodynamic stability) performed at Invitae indicates that this missense variant is expected to disrupt NPC1 protein function. ClinVar contains an entry for this variant (Variation ID: 1809713). This missense change has been observed in individual(s) with Niemann-Pick Type C (PMID: 10521290, 19206179). This sequence change replaces leucine, which is neutral and non-polar, with valine, which is neutral and non-polar, at codon 1213 of the NPC1 protein (p.Leu1213Val).

Women's Health and Genetics/Laboratory Corporation of America, LabCorp
Classification: Likely pathogenic for Niemann-Pick disease, type C. Last evaluated: 2023-05-25. Review status: criteria provided, single submitter. Criteria: LabCorp Variant Classification Summary - May 2015. Collection method: clinical testing. Allele origin: germline.
Comment: Variant summary: NPC1 c.3637T>G (p.Leu1213Val) results in a conservative amino acid change in the encoded protein sequence. Four of five in-silico tools predict a damaging effect of the variant on protein function. The variant allele was found at a frequency of 4e-06 in 251476 control chromosomes in GnomAD. c.3637T>G has been reported in the literature in individuals affected with Niemann-Pick Disease Type C (Spiegel_2009, Greer_1999). In two unrelated patients with Niemann-Pick Disease Type C, c.3637T>G was seen as compound heterozygous along with a second pathogenic/likely pathogenic variant of NPC1. These data indicate that the variant may be associated with disease. At least one publication reports experimental evidence evaluating an impact on protein function (Choi_2003). The heterozygous NPC1 c.3637T>G (p.Leu1213Val) cells showed intermediate levels of lipid efflux compared with wild type and NPC1 null cells. The following publications have been ascertained in the context of this evaluation (PMID: 16138904, 12813037, 10521290, 19206179). Two clinical diagnostic laboratories have submitted clinical-significance assessments for this variant to ClinVar after 2014 without evidence for independent evaluation and both laboratories classified the variant as pathogenic/likely pathogenic. Based on the evidence outlined above, the variant was classified as likely pathogenic.

Athena Diagnostics
Classification: Likely pathogenic. Last evaluated: 2021-12-02. Review status: criteria provided, single submitter. Criteria: Athena Diagnostics Criteria. Collection method: clinical testing. Allele origin: unknown.
Comment: The frequency of this variant in the general population is consistent with pathogenicity. This variant has been identified in at least one individual with clinical features associated with this gene (PMID: 10521290, 19206179). Assessment of experimental evidence suggests this variant results in abnormal protein function (PMID: 10521290, 19206179).This observation is not an independent occurrence and has been identified in the same individual by RCIGM, the other laboratory participating in the GEMINI study.

Literature cited by the submitters: PubMed 10521290 (cited by 3 submitters); PubMed 19206179 (cited by 3 submitters); PubMed 16138904 (cited by Women's Health and Genetics/Laboratory Corporation of America, LabCorp); PubMed 12813037 (cited by Women's Health and Genetics/Laboratory Corporation of America, LabCorp).

NM_000271.5(NPC1):c.3637T>G (p.Leu1213Val)

Gene: NPC1 (NPC intracellular cholesterol transporter 1; minus strand). Cytogenetic location: 18q11.2.
Variant type: single nucleotide variant.
Coding change: c.3637T>G on transcript NM_000271.5 (MANE Select); coding-DNA position 3637, T replaced by G.
Protein change: p.Leu1213Val; replaces leucine 1213 with valine.
Molecular consequence: missense variant.
Genome position (GRCh38, 1-based): chr18:23,533,472, A>C on the plus strand (T>G on the coding strand, the complement: NPC1 is on the minus strand). VCF-style: chr18-23533472-A-C. GRCh37 (hg19) VCF-style: chr18-21113436-A-C.
Other names: c.3637T>G (NM_000271.4); short protein forms L1213V.
Identifiers: ClinVar variation 1809713 (VCV001809713.10), dbSNP rs766178353, ClinGen allele CA8912686.